The following is an entry in ClinVar:

NM_000059.4(BRCA2):c.1238del (p.Leu413fs)

Gene: BRCA2 (BRCA2 DNA repair associated; plus strand). Cytogenetic location: 13q13.1.
Variant type: Deletion.
Coding change: c.1238del on transcript NM_000059.4 (MANE Select); coding-DNA position 1238, one base deleted (T; older notation c.1238delT).
Protein change: p.Leu413fs; shifts the reading frame from leucine 413.
Molecular consequence: frameshift variant.
Genome position (GRCh38, 1-based): chr13:32,332,716, T deleted. VCF-style (leftmost placement, unchanged base first): chr13-32332715-CT-C. GRCh37 (hg19) VCF-style: chr13-32906852-CT-C.
Other names: p.Leu413Hisfs*17; 1466delT; c.1238delT (NM_000059.3).
Identifiers: ClinVar variation 37731 (VCV000037731.40), dbSNP rs80359271, ClinGen allele CA011280.

ClinVar aggregate classification (germline): Pathogenic. Review status: reviewed by expert panel (3 of 4 stars). 19 submissions from 19 submitters: Pathogenic (1). 18 of the submissions do not count toward it. Last evaluated 2016-04-22.

Conditions:
BRCA2-related disorder. Also called: BRCA2-related condition; BRCA2-related disorders. Identifiers: MedGen CN239275.
Familial prostate cancer. Also called: Hereditary Prostate Cancer. Identifiers: MedGen C2931456, MONDO:0700275, OMIM 176807.
Hereditary cancer-predisposing syndrome. Also called: Neoplastic Syndromes, Hereditary; Tumor predisposition; Hereditary Cancer Syndrome; Hereditary neoplastic syndrome. Identifiers: Orphanet 140162, MedGen C0027672, MeSH D009386, MONDO:0015356.
Hereditary breast ovarian cancer syndrome. Also called: Breast and ovarian cancer; Hereditary breast and ovarian cancer; Hereditary breast and ovarian cancer syndrome (HBOC); Hereditary breast and ovarian cancer syndrome; BRCA1- and BRCA2-Associated Hereditary Breast and Ovarian Cancer; Hereditary breast and/or ovarian cancer syndrome. Identifiers: Orphanet 145, MedGen C0677776, MeSH D061325, MONDO:0003582. Disease mechanism: loss of function.
Breast-ovarian cancer, familial, susceptibility to, 2 (BROVCA2). Also called: BRCA2 Hereditary Breast and Ovarian Cancer. Identifiers: Orphanet 145, MedGen C2675520, MONDO:0012933, OMIM 612555. Disease mechanism: loss of function.
Fanconi anemia complementation group D1. Also called: BRCA2-Related Fanconi Anemia. Identifiers: Orphanet 319462, MedGen C1838457, MONDO:0011584, OMIM 605724.
Familial cancer of breast. Also called: BREAST CANCER, FAMILIAL; hereditary breast carcinoma; Hereditary breast cancer. Identifiers: Orphanet 227535, MedGen C0346153, MONDO:0016419, OMIM 114480. Disease mechanism: loss of function.

Allele frequency attached by ClinVar (database versions not stated): gnomAD exomes below 0.00001.

Submissions 1 to 11 of 19:

Evidence-based Network for the Interpretation of Germline Mutant Alleles (ENIGMA)
Classification: Pathogenic for Breast-ovarian cancer, familial, susceptibility to, 2. Last evaluated: 2016-04-22. Review status: reviewed by expert panel. Criteria: ENIGMA BRCA1/2 Classification Criteria (2015). Collection method: curation. Allele origin: germline.
Comment: Variant allele predicted to encode a truncated non-functional protein.

Labcorp Genetics (formerly Invitae), Labcorp
Classification: Pathogenic for Hereditary breast ovarian cancer syndrome. Last evaluated: 2025-10-09. Review status: criteria provided, single submitter. Criteria: Invitae Variant Classification Sherloc (09022015). Collection method: clinical testing. Allele origin: germline. Not counted in ClinVar's aggregate classification.
Comment: This sequence change creates a premature translational stop signal (p.Leu413Hisfs*17) in the BRCA2 gene. It is expected to result in an absent or disrupted protein product. Loss-of-function variants in BRCA2 are known to be pathogenic (PMID: 20104584). This variant is not present in population databases (gnomAD no frequency). This premature translational stop signal has been observed in individual(s) with a personal and/or family history of breast cancer (PMID: 16760289, 21120943, 26306726). This variant is also known as 1466delT. ClinVar contains an entry for this variant (Variation ID: 37731). For these reasons, this variant has been classified as Pathogenic.

Molecular Pathology, Peter Maccallum Cancer Centre
Classification: Pathogenic for Breast-ovarian cancer, familial, susceptibility to, 2. Last evaluated: 2025-03-13. Review status: criteria provided, single submitter. Criteria: ACMG Guidelines, 2015. Collection method: clinical testing. Allele origin: germline. Inheritance: Autosomal dominant inheritance. Not counted in ClinVar's aggregate classification.

Mayo Clinic Laboratories, Mayo Clinic
Classification: Pathogenic. Last evaluated: 2025-01-10. Review status: criteria provided, single submitter. Criteria: ACMG Guidelines, 2015. Collection method: clinical testing. Allele origin: germline. Observed: 1 variant allele. Not counted in ClinVar's aggregate classification.
Comment: PM5_strong, PVS1

Ambry Genetics
Classification: Pathogenic for Hereditary cancer-predisposing syndrome. Last evaluated: 2024-05-08. Review status: criteria provided, single submitter. Criteria: Ambry Variant Classification Scheme 2023. Collection method: clinical testing. Allele origin: germline. Not counted in ClinVar's aggregate classification.
Comment: The c.1238delT pathogenic mutation, located in coding exon 9 of the BRCA2 gene, results from a deletion of one nucleotide at nucleotide position 1238, causing a translational frameshift with a predicted alternate stop codon (p.L413Hfs*17). This alteration has been identified in numerous Italian families with bilateral breast cancer, male breast cancer, and ovarian cancer histories (Capalbo C et al. Ann. Oncol., 2006 Jun;17 Suppl 7:vii34-40; Giannini G et al. Breast Cancer Res Treat, 2006 Nov;100:83-91; Minucci A et al. Expert Rev Mol Diagn, 2015 Aug;15:1383-403; Fanale D et al. Cancers (Basel), 2020 Aug;12(9); Incorvaia L et al. Cancers (Basel), 2020 May;12(5)). In addition to the clinical data presented in the literature, this alteration is expected to result in loss of function by premature protein truncation or nonsense-mediated mRNA decay. As such, this alteration is interpreted as a disease-causing mutation.

Baylor Genetics
Classification: Pathogenic for Familial cancer of breast. Last evaluated: 2024-01-11. Review status: criteria provided, single submitter. Criteria: ACMG Guidelines, 2015. Collection method: clinical testing. Allele origin: unknown. Not counted in ClinVar's aggregate classification.

Color Diagnostics, LLC DBA Color Health
Classification: Pathogenic for Hereditary cancer-predisposing syndrome. Last evaluated: 2023-10-10. Review status: criteria provided, single submitter. Criteria: ACMG Guidelines, 2015. Collection method: clinical testing. Allele origin: germline. Not counted in ClinVar's aggregate classification.
Comment: This variant deletes 1 nucleotide in exon 10 of the BRCA2 gene, creating a frameshift and premature translation stop signal. This variant is expected to result in an absent or non-functional protein product. This variant has been reported in individuals affected with breast or ovarian cancer (PMID: 16760289, 16847550, 18092194, 21120943, 25395318, 26306726, 27062684, 27153395, 31336956). This variant has been identified in 1/249956 chromosomes in the general population by the Genome Aggregation Database (gnomAD). Loss of BRCA2 function is a known mechanism of disease. Based on the available evidence, this variant is classified as Pathogenic.

Quest Diagnostics Nichols Institute San Juan Capistrano
Classification: Pathogenic. Last evaluated: 2023-07-28. Review status: criteria provided, single submitter. Criteria: Quest Diagnostics criteria. Collection method: clinical testing. Allele origin: unknown. Not counted in ClinVar's aggregate classification.
Comment: This variant alters the translational reading frame of the BRCA2 mRNA and causes the premature termination of BRCA2 protein synthesis. In the published literature, this variant has been reported in individuals with a personal or family history of breast and/or ovarian cancer (PMIDs: 16847550 (2006), 16760289 (2006), 21120943 (2011), 26317927 (2016), 29907814 (2018), 31336956 (2019), 32380732 (2020), 3284451 (2020), 32438681 (2020), 33471991 (2021), 36292577 (2022)), including cases of male breast cancer (PMIDs: 16847550 (2006), 32058061 (2020), 32365798 (2020)). This variant has been noted as a common variant found within the Italian population (PMIDs: 16847550 (2006), 31336956 (2019), 32380732 (2020), 32854451 (2020), 32058061 (2020), 324386814 (2020), 32365798 (2020)). The frequency of this variant in the general population, 0.000004 (1/249956 chromosomes (Genome Aggregation Database)), is consistent with pathogenicity. Based on the available information, this variant is classified as pathogenic.

Department of Pathology and Laboratory Medicine, Sinai Health System
Classification: Pathogenic for Familial prostate cancer. Last evaluated: 2023-04-17. Review status: criteria provided, single submitter. Criteria: ACMG Guidelines, 2015. Collection method: clinical testing. Allele origin: germline. Affected: yes. Not counted in ClinVar's aggregate classification.

GeneDx
Classification: Pathogenic. Last evaluated: 2023-03-17. Review status: criteria provided, single submitter. Criteria: GeneDx Variant Classification Process June 2021. Collection method: clinical testing. Allele origin: germline. Affected: yes. Not counted in ClinVar's aggregate classification.
Comment: Frameshift variant predicted to result in protein truncation or nonsense mediated decay in a gene for which loss of function is a known mechanism of disease; Not observed at significant frequency in large population cohorts (gnomAD); Truncating variants in this gene are considered pathogenic by a well-established clinical consortium and/or database; Also known as 1466del; This variant is associated with the following publications: (PMID: 21120943, 25007954, 31794323, 31336956, 32719484, 32438681, 16847550, 16760289, 24065114, 26306726, 32058061, 32854451, 34178674, 21702907, 32380732, 29907814, 26317927, 25395318, 20104584, 36292577, 34917121, 32365798)

Women's Health and Genetics/Laboratory Corporation of America, LabCorp
Classification: Pathogenic for Hereditary breast ovarian cancer syndrome. Last evaluated: 2023-02-14. Review status: criteria provided, single submitter. Criteria: LabCorp Variant Classification Summary - May 2015. Collection method: clinical testing. Allele origin: germline. Not counted in ClinVar's aggregate classification.
Comment: Variant summary: BRCA2 c.1238delT (p.Leu413HisfsX17) results in a premature termination codon, predicted to cause a truncation of the encoded protein or absence of the protein due to nonsense mediated decay, which are commonly known mechanisms for disease. Truncations downstream of this position have been classified as pathogenic by our laboratory. The variant allele was found at a frequency of 4e-06 in 249956 control chromosomes (gnomAD). c.1238delT has been reported in the literature and in at least one clinical database in multiple individuals and families affected with breast and/or ovarian cancer (e.g. Giannini_2006, Caux-Moncoutier_2011, Manie_2016, Coppa_2014, Tedaldi_2020, BIC database). These data indicate that the variant is very likely to be associated with disease. To our knowledge, no experimental evidence demonstrating an impact on protein function has been reported. Nine submitters, including an expert panel (ENIGMA), have provided clinical-significance assessments for this variant to ClinVar after 2014 and all classified the variant as pathogenic. Based on the evidence outlined above, the variant was classified as pathogenic.